The following is an entry in ClinVar:

NM_000179.3(MSH6):c.1740G>T (p.Ser580=)

Gene: MSH6 (mutS homolog 6; plus strand). Cytogenetic location: 2p16.3.
Variant type: single nucleotide variant.
Coding change: c.1740G>T on transcript NM_000179.3 (MANE Select); coding-DNA position 1740, G replaced by T.
Protein change: p.Ser580=; no amino-acid change (serine 580 retained).
Molecular consequence: synonymous variant.
Genome position (GRCh38, 1-based): chr2:47,799,723, G>T. VCF-style: chr2-47799723-G-T. GRCh37 (hg19) VCF-style: chr2-48026862-G-T.
Other names: c.1350G>T, p.Ser450= (NM_001281492.2); c.834G>T, p.Ser278= (NM_001281493.2, NM_001281494.2).
Identifiers: ClinVar variation 216301 (VCV000216301.19), dbSNP rs762089407, ClinGen allele CA068098.

ClinVar aggregate classification (germline): Conflicting classifications of pathogenicity. Review status: criteria provided, conflicting classifications (1 of 4 stars). 6 submissions from 6 submitters: Uncertain significance (1); Benign (1); Likely benign (4). Last evaluated 2024-12-27.

Conditions:
Hereditary nonpolyposis colorectal neoplasms. Identifiers: MedGen C0009405, MeSH D003123.
Hereditary cancer-predisposing syndrome. Also called: Hereditary Cancer Syndrome; Hereditary neoplastic syndrome; Neoplastic Syndromes, Hereditary; Tumor predisposition. Identifiers: Orphanet 140162, MedGen C0027672, MeSH D009386, MONDO:0015356.
Lynch syndrome. Identifiers: Orphanet 144, MedGen C4552100, MONDO:0005835. Disease mechanism: loss of function.
Lynch syndrome 5 (LYNCH5). Also called: Hereditary non-polyposis colorectal cancer, type 5; Colorectal cancer, hereditary nonpolyposis, type 5. Identifiers: Orphanet 144, MedGen C1833477, MONDO:0013710, OMIM 614350. Disease mechanism: loss of function.

gnomAD v4.1: 6 of 1,614,142 alleles (0.00037%); highest among the groups gnomAD compares: Non-Finnish European, 0.00051%; no homozygotes.

Submissions (7):

Myriad Genetics, Inc.
Classification: Benign for Lynch syndrome 5. Last evaluated: 2024-12-27. Review status: criteria provided, single submitter. Criteria: Myriad Autosomal Dominant, Autosomal Recessive and X-Linked Classification Criteria (2023). Collection method: clinical testing. Allele origin: unknown.
Comment: This variant is considered benign. This variant is a silent/synonymous amino acid change and it is not expected to impact splicing.

All of Us Research Program, National Institutes of Health
Classification: Likely benign for Lynch syndrome. Last evaluated: 2023-11-02. Review status: criteria provided, single submitter. Criteria: ACMG Guidelines, 2015. Collection method: clinical testing. Allele origin: germline. Inheritance: Autosomal dominant inheritance. Observed: 1 variant allele, 1 heterozygote.
Comment: This study involves interpretation of variants in research participants for the purpose of population health screening. Participant phenotype was not available at the time of variant classification. Additional details can be found in publication PMID: 35346344, PMCID: PMC8962531

Labcorp Genetics (formerly Invitae), Labcorp
Classification: Likely benign for Hereditary nonpolyposis colorectal neoplasms. Last evaluated: 2023-03-31. Review status: criteria provided, single submitter. Criteria: Invitae Variant Classification Sherloc (09022015). Collection method: clinical testing. Allele origin: germline.

Color Diagnostics, LLC DBA Color Health
Classification: Likely benign for Hereditary cancer-predisposing syndrome. Last evaluated: 2021-07-07. Review status: criteria provided, single submitter. Criteria: ACMG Guidelines, 2015. Collection method: clinical testing. Allele origin: germline.

Department of Pathology and Laboratory Medicine, Sinai Health System
Classification: Uncertain significance for Lynch syndrome. Last evaluated: 2021-03-02. Review status: criteria provided, single submitter. Criteria: ACMG Guidelines, 2015. Collection method: clinical testing. Allele origin: germline. Affected: yes.

Ambry Genetics
Classification: Likely benign for Hereditary cancer-predisposing syndrome. Last evaluated: 2019-06-04. Review status: criteria provided, single submitter. Criteria: Ambry Variant Classification Scheme 2023. Collection method: clinical testing. Allele origin: germline.

Dr. Peter K. Rogan Lab, Western University
No classification provided (evidence only). Condition: Thyroid cancer, nonmedullary, 1. Review status: no classification provided. Collection method: in vitro. Allele origin: not applicable. Functional consequence: skipped exon. Not counted in ClinVar's aggregate classification.